The following is an entry in ClinVar:

NM_000252.3(MTM1):c.487G>T (p.Gly163Ter)

Gene: MTM1 (myotubularin 1; plus strand). Cytogenetic location: Xq28.
Variant type: single nucleotide variant.
Coding change: c.487G>T on transcript NM_000252.3 (MANE Select); coding-DNA position 487, G replaced by T.
Protein change: p.Gly163Ter; replaces glycine 163 with a stop codon.
Molecular consequence: nonsense.
Genome position (GRCh38, 1-based): chrX:150,638,985, G>T. VCF-style: chrX-150638985-G-T. GRCh37 (hg19) VCF-style: chrX-149807458-G-T.
Other names: c.487G>T, p.Gly163Ter (NM_001376906.1, NM_001376908.1); c.376G>T, p.Gly126Ter (NM_001376907.1); short protein forms G126*, G163*.
Identifiers: ClinVar variation 984136 (VCV000984136.3), dbSNP rs2039802744, ClinGen allele CA415255694.

ClinVar aggregate classification (germline): Likely pathogenic (1 of 4 stars; one submission).

Conditions:
Severe X-linked myotubular myopathy (CNMX). Also called: MYOTUBULAR MYOPATHY 1; X-linked centronuclear myopathy; Myotubular myopathy, X-linked. Identifiers: Orphanet 596, MedGen C0410203, MONDO:0010683, OMIM 310400.

Submission:

Myriad Genetics, Inc.
Classification: Likely pathogenic for Severe X-linked myotubular myopathy. Last evaluated: 2019-09-20. Review status: criteria provided, single submitter. Criteria: Myriad Women's Health Autosomal Recessive and X-Linked Classification Criteria (2019). Collection method: clinical testing. Allele origin: unknown.
Comment: NM_000252.2(MTM1):c.487G>T(G163*) is expected to be pathogenic in the context of X-linked myotubular myopathy. This variant is predicted to lead to an abnormal or absent protein product due to the creation of a premature termination codon in MTM1, a gene where loss-of-function variants are known to be pathogenic. Please note: this variant was assessed in the context of healthy population screening.